The following is an entry in ClinVar:

ClinVar aggregate classification (germline): Pathogenic (1 of 4 stars; one submission).

Submission:

Labcorp Genetics (formerly Invitae), Labcorp
Classification: Pathogenic. Last evaluated: 2024-02-18. Review status: criteria provided, single submitter. Criteria: Invitae Variant Classification Sherloc (09022015). Collection method: clinical testing. Allele origin: germline.
Comment: This sequence change creates a premature translational stop signal (p.Glu841*) in the OTOF gene. It is expected to result in an absent or disrupted protein product. Loss-of-function variants in OTOF are known to be pathogenic (PMID: 18381613, 19250381, 22575033). This variant is not present in population databases (gnomAD no frequency). This variant has not been reported in the literature in individuals affected with OTOF-related conditions. For these reasons, this variant has been classified as Pathogenic.

Literature cited by the submitters: PubMed 18381613; PubMed 19250381; PubMed 22575033.

NM_194248.3(OTOF):c.2521G>T (p.Glu841Ter)

Gene: OTOF (otoferlin; minus strand). Cytogenetic location: 2p23.3.
Variant type: single nucleotide variant.
Coding change: c.2521G>T on transcript NM_194248.3 (MANE Select); coding-DNA position 2521, G replaced by T.
Protein change: p.Glu841Ter; replaces glutamic acid 841 with a stop codon.
Molecular consequence: nonsense.
Genome position (GRCh38, 1-based): chr2:26,477,174, C>A on the plus strand (G>T on the coding strand, the complement: OTOF is on the minus strand). VCF-style: chr2-26477174-C-A. GRCh37 (hg19) VCF-style: chr2-26700042-C-A.
Other names: c.2521G>T, p.Glu841Ter (NM_001287489.2); c.280G>T, p.Glu94Ter (NM_004802.4, NM_194323.3); c.451G>T, p.Glu151Ter (NM_194322.3); short protein forms E151*, E841*, E94*.
Identifiers: ClinVar variation 2704193 (VCV002704193.3), dbSNP rs772729658, ClinGen allele CA346121227.